The following is an entry in ClinVar:

ClinVar aggregate classification (germline): Benign. Review status: criteria provided, multiple submitters, no conflicts (2 of 4 stars). 13 submissions from 13 submitters: Benign (9). 4 of the submissions do not count toward it. Last evaluated 2026-02-04.

Conditions:
Mucopolysaccharidosis, MPS-III-A (MPS3A). Also called: SULFAMIDASE DEFICIENCY; Mucopolysaccharidosis type IIIA (Sanfilippo A); Mucopolysaccharidosis, type IIIA; HEPARAN SULFATE SULFATASE DEFICIENCY; SANFILIPPO SYNDROME A; MPS III A. Identifiers: Orphanet 581, Orphanet 79269, MedGen C0086647, MONDO:0009655, OMIM 252900.

Allele frequency attached by ClinVar (database versions not stated): TOPMed 0.48928; gnomAD 0.46516; ESP Exome Variant Server 0.46549; 1000 Genomes Project 30x 0.51796; 1000 Genomes Project 0.51418.

Submissions (13):

Labcorp Genetics (formerly Invitae), Labcorp
Classification: Benign for Mucopolysaccharidosis, MPS-III-A. Last evaluated: 2026-02-04. Review status: criteria provided, single submitter. Criteria: Invitae Variant Classification Sherloc (09022015). Collection method: clinical testing. Allele origin: germline.

Blueprint Genetics
Classification: Benign. Last evaluated: 2024-11-28. Review status: criteria provided, single submitter. Criteria: ACMG Guidelines, 2015. Collection method: clinical testing. Allele origin: germline.

Genome-Nilou Lab
Classification: Benign for Mucopolysaccharidosis, MPS-III-A. Last evaluated: 2021-11-07. Review status: criteria provided, single submitter. Criteria: ACMG Guidelines, 2015. Collection method: clinical testing. Allele origin: germline. Affected: no.

Eurofins Ntd Llc (ga)
Classification: Benign. Last evaluated: 2017-08-28. Review status: criteria provided, single submitter. Criteria: EGL Classification Definitions 2015. Collection method: clinical testing. Allele origin: germline. Observed: 102 variant alleles, 68 heterozygotes, 34 homozygotes.

Women's Health and Genetics/Laboratory Corporation of America, LabCorp
Classification: Benign. Last evaluated: 2016-08-22. Review status: criteria provided, single submitter. Criteria: LabCorp Variant Classification Summary - May 2015. Collection method: clinical testing. Allele origin: germline.
Comment: Variant summary: The SGSH c.663+17T>C variant involves the alteration of a non-conserved intronic nucleotide with 5/5 splice prediction tools predicting no significant impact on splicing. The variant of interest was observed in the large, broad control population, ExAC, with an allele frequency of 40694/78358 (9033 homozygotes) at a frequency of 0.5193343, which suggests that the variant of interest is the major allele (allele most commonly observed in the general population). A reputable clinical laboratory cites the variant as "benign." Therefore, the variant of interest has been classified as Benign.

Clinical Genetics DNA and cytogenetics Diagnostics Lab, Erasmus MC, Erasmus Medical Center
Classification: Benign for Mucopolysaccharidosis, MPS-III-A. Last evaluated: 2015-09-21. Review status: criteria provided, single submitter. Criteria: ACGS Guidelines, 2013. Collection method: clinical testing. Allele origin: germline. Affected: yes. Study: VKGL Data-share Consensus.

GeneDx
Classification: Benign. Last evaluated: 2015-03-03. Review status: criteria provided, single submitter. Criteria: GeneDx Variant Classification Process June 2021. Collection method: clinical testing. Allele origin: germline. Affected: yes.

Breakthrough Genomics
Classification: Benign. Review status: criteria provided, single submitter. Criteria: ACMG Guidelines, 2015. Collection method: not provided. Allele origin: germline. Inheritance: Autosomal recessive inheritance. Affected: yes.

PreventionGenetics, part of Exact Sciences
Classification: Benign. Review status: criteria provided, single submitter. Criteria: ACMG Guidelines, 2015. Collection method: clinical testing. Allele origin: germline.

Mayo Clinic Laboratories, Mayo Clinic
Classification: Benign. Last evaluated: 2015-10-22. Review status: no assertion criteria provided. Collection method: clinical testing. Allele origin: unknown. Not counted in ClinVar's aggregate classification.

Clinical Genetics, Academic Medical Center
Classification: Benign. Review status: no assertion criteria provided. Collection method: clinical testing. Allele origin: germline. Affected: yes. Study: VKGL Data-share Consensus. Not counted in ClinVar's aggregate classification.

Diagnostic Laboratory, Department of Genetics, University Medical Center Groningen
Classification: Benign for Mucopolysaccharidosis, MPS-III-A. Review status: no assertion criteria provided. Collection method: clinical testing. Allele origin: germline. Affected: yes. Study: VKGL Data-share Consensus. Not counted in ClinVar's aggregate classification.

Joint Genome Diagnostic Labs from Nijmegen and Maastricht, Radboudumc and MUMC+
Classification: Benign. Review status: no assertion criteria provided. Collection method: clinical testing. Allele origin: germline. Affected: yes. Study: VKGL Data-share Consensus. Not counted in ClinVar's aggregate classification.

NM_000199.5(SGSH):c.663+17T>C

Gene: SGSH (N-sulfoglucosamine sulfohydrolase; minus strand). Cytogenetic location: 17q25.3.
Variant type: single nucleotide variant.
Coding change: c.663+17T>C on transcript NM_000199.5 (MANE Select); 17 bases into the intron after coding-DNA position 663, T replaced by C.
Molecular consequence: intron variant.
Genome position (GRCh38, 1-based): chr17:80,214,155, A>G on the plus strand (T>C on the coding strand, the complement: SGSH is on the minus strand). VCF-style: chr17-80214155-A-G. GRCh37 (hg19) VCF-style: chr17-78187954-A-G.
Other names: c.663+17T>C (NM_001352921.3, NM_001352922.2).
Identifiers: ClinVar variation 92612 (VCV000092612.26), dbSNP rs6565647, ClinGen allele CA145864.